The following is an entry in ClinVar:

NC_000003.12:g.180651534del

Gene: CCDC39 (coiled-coil domain 39 molecular ruler complex subunit; minus strand). Cytogenetic location: 3q26.33.
Variant type: Deletion.
Genome position: GRCh38 VCF-style: chr3-180651532-AC-A. GRCh37 (hg19) VCF-style: chr3-180369320-AC-A.
Identifiers: ClinVar variation 455008 (VCV000455008.9), dbSNP rs1553804640, ClinGen allele CA645530172.

ClinVar aggregate classification (germline): Pathogenic (1 of 4 stars; one submission).

Conditions:
Primary ciliary dyskinesia. Also called: Ciliary dyskinesia. Identifiers: Orphanet 244, MedGen C0008780, MONDO:0016575, HP:0012265.

Submission:

Labcorp Genetics (formerly Invitae), Labcorp
Classification: Pathogenic for Primary ciliary dyskinesia. Last evaluated: 2023-04-18. Review status: criteria provided, single submitter. Criteria: Invitae Variant Classification Sherloc (09022015). Collection method: clinical testing. Allele origin: germline.
Comment: For these reasons, this variant has been classified as Pathogenic. Algorithms developed to predict the effect of sequence changes on RNA splicing suggest that this variant may disrupt the consensus splice site. ClinVar contains an entry for this variant (Variation ID: 455008). This variant has not been reported in the literature in individuals affected with CCDC39-related conditions. This variant is not present in population databases (gnomAD no frequency). This sequence change creates a premature translational stop signal (p.Arg345Serfs*11) in the CCDC39 gene. It is expected to result in an absent or disrupted protein product. Loss-of-function variants in CCDC39 are known to be pathogenic (PMID: 21131972, 23255504).

Literature cited by the submitters: PubMed 21131972; PubMed 23255504.